The following is an entry in ClinVar:

NM_002474.3(MYH11):c.5082+5dup

Genes: NDE1 (nudE neurodevelopment protein 1; plus strand), MYH11 (myosin heavy chain 11; minus strand). Cytogenetic location: 16p13.11.
Variant type: Duplication.
Coding change: c.5082+5dup on transcript NM_002474.3 (MANE Select); 5 bases into the intron after coding-DNA position 5082, one base duplicated (A; older notation c.5082+5dupA).
Molecular consequence: intron variant.
Genome position (GRCh38, 1-based): chr16:15,719,580, T duplicated on the plus strand (A on the coding strand, the reverse complement: MYH11 is on the minus strand); the first of 3 consecutive T bases (chr16:15,719,580-15,719,582); duplicating any one gives the same sequence. VCF-style (leftmost placement, unchanged base first): chr16-15719579-C-CT. GRCh37 (hg19) VCF-style: chr16-15813436-C-CT.
Other names: c.948-4609dup (NM_001143979.2, NM_017668.3); c.5082+5dup (NM_022844.3); c.5103+5dup (NM_001040114.2, NM_001040113.2).
Identifiers: ClinVar variation 3894083 (VCV003894083.1).

ClinVar aggregate classification (germline): Uncertain significance (1 of 4 stars; one submission).

Conditions:
Familial thoracic aortic aneurysm and aortic dissection (TAAD). Also called: Thoracic aortic aneurysms and dissections. Identifiers: Orphanet 91387, MedGen C4707243, MONDO:0019625.

Submission:

Color Diagnostics, LLC DBA Color Health
Classification: Uncertain significance for Familial thoracic aortic aneurysm and aortic dissection. Last evaluated: 2024-09-09. Review status: criteria provided, single submitter. Criteria: ACMG Guidelines, 2015. Collection method: clinical testing. Allele origin: germline.
Comment: This variant inserts one nucleotide in intron 36 of the MYH11 gene. To our knowledge, functional studies have not been reported for this variant. This variant has not been reported in individuals affected with MYH11-related disorders in the literature. This variant has not been identified in the general population by the Genome Aggregation Database (gnomAD). The available evidence is insufficient to determine the role of this variant in disease conclusively. Therefore, this variant is classified as a Variant of Uncertain Significance.